The following is an entry in ClinVar:

NM_001375524.1(TRRAP):c.2816T>G (p.Met939Arg)

Gene: TRRAP (transformation/transcription domain associated protein; plus strand). Cytogenetic location: 7q22.1.
Variant type: single nucleotide variant.
Coding change: c.2816T>G on transcript NM_001375524.1 (MANE Select); coding-DNA position 2816, T replaced by G.
Protein change: p.Met939Arg; replaces methionine 939 with arginine.
Molecular consequence: missense variant.
Genome position (GRCh38, 1-based): chr7:98,921,946, T>G. VCF-style: chr7-98921946-T-G. GRCh37 (hg19) VCF-style: chr7-98519569-T-G.
Other names: c.2816T>G, p.Met939Arg (NM_001244580.2, NM_003496.4); short protein forms M939R.
Identifiers: ClinVar variation 3650189 (VCV003650189.2).

ClinVar aggregate classification (germline): Uncertain significance (1 of 4 stars; one submission).

Submission:

Labcorp Genetics (formerly Invitae), Labcorp
Classification: Uncertain significance. Last evaluated: 2024-04-17. Review status: criteria provided, single submitter. Criteria: Invitae Variant Classification Sherloc (09022015). Collection method: clinical testing. Allele origin: germline.
Comment: This sequence change replaces methionine, which is neutral and non-polar, with arginine, which is basic and polar, at codon 939 of the TRRAP protein (p.Met939Arg). This variant is not present in population databases (gnomAD no frequency). This variant has not been reported in the literature in individuals affected with TRRAP-related conditions. Advanced modeling of protein sequence and biophysical properties (such as structural, functional, and spatial information, amino acid conservation, physicochemical variation, residue mobility, and thermodynamic stability) performed at Invitae indicates that this missense variant is not expected to disrupt TRRAP protein function with a negative predictive value of 80%. In summary, the available evidence is currently insufficient to determine the role of this variant in disease. Therefore, it has been classified as a Variant of Uncertain Significance.